The following is an entry in ClinVar:

ClinVar aggregate classification (germline): Benign/Likely benign. Review status: criteria provided, multiple submitters, no conflicts (2 of 4 stars). 8 submissions from 8 submitters: Benign (2); Likely benign (5). 1 of the submissions does not count toward it. Last evaluated 2026-02-04.

Conditions:
Glycogen storage disease IXd (GSD9D). Also called: Muscle Phosphorylase Kinase Deficiency; GSD IXd. Identifiers: Orphanet 715, MedGen C1845151, MONDO:0010362, OMIM 300559.
PHKA1-related disorder. Also called: PHKA1-related condition.

Allele frequency attached by ClinVar (database versions not stated): TOPMed 0.00053; gnomAD exomes 0.00054 and 0.00102; gnomAD 0.00055 and 0.00059; ExAC 0.00065; ESP Exome Variant Server 0.00133.
gnomAD v4.1: 1,072 of 1,120,604 alleles (0.096%); highest among the groups gnomAD compares: Non-Finnish European, 0.12%; no homozygotes.

Submissions (11):

Labcorp Genetics (formerly Invitae), Labcorp
Classification: Likely benign for Glycogen storage disease IXd. Last evaluated: 2026-02-04. Review status: criteria provided, single submitter. Criteria: Invitae Variant Classification Sherloc (09022015). Collection method: clinical testing. Allele origin: germline.

Blueprint Genetics
Classification: Likely benign. Last evaluated: 2024-11-23. Review status: criteria provided, single submitter. Criteria: ACMG Guidelines, 2015. Collection method: clinical testing. Allele origin: germline.

Mayo Clinic Laboratories, Mayo Clinic
Classification: Benign. Last evaluated: 2024-11-19. Review status: criteria provided, single submitter. Criteria: ACMG Guidelines, 2015. Collection method: clinical testing. Allele origin: germline. Observed: 2 variant alleles.
Comment: BS1, BS2

ARUP Laboratories, Molecular Genetics and Genomics, ARUP Laboratories
Classification: Likely benign for Glycogen storage disease IXd. Last evaluated: 2024-09-20. Review status: criteria provided, single submitter. Criteria: ARUP Molecular Germline Variant Investigation Process 2024. Collection method: clinical testing. Allele origin: germline.

GeneDx
Classification: Likely benign. Last evaluated: 2020-09-14. Review status: criteria provided, single submitter. Criteria: GeneDx Variant Classification Process June 2021. Collection method: clinical testing. Allele origin: germline. Affected: yes.

Illumina Laboratory Services, Illumina
Classification: Benign for Glycogen storage disease IXd. Last evaluated: 2018-01-13. Review status: criteria provided, single submitter. Criteria: ICSL Variant Classification Criteria 13 December 2019. Collection method: clinical testing. Allele origin: germline.
Comment: This variant was observed in the ICSL laboratory as part of a predisposition screen in an ostensibly healthy population. It had not been previously curated by ICSL or reported in the Human Gene Mutation Database (HGMD: prior to June 1st, 2018), and was therefore a candidate for classification through an automated scoring system. Utilizing variant allele frequency, disease prevalence and penetrance estimates, and inheritance mode, an automated score was calculated to assess if this variant is too frequent to cause the disease. Based on the score and internal cut-off values, a variant classified as benign is not then subjected to further curation. The score for this variant resulted in a classification of benign for this disease.

Breakthrough Genomics
Classification: Likely benign. Review status: criteria provided, single submitter. Criteria: ACMG Guidelines, 2015. Collection method: not provided. Allele origin: germline. Inheritance: X-linked inheritance. Affected: yes.

PreventionGenetics, part of Exact Sciences
Classification: Likely benign for PHKA1-related condition. Last evaluated: 2019-03-18. Review status: no assertion criteria provided. Collection method: clinical testing. Allele origin: germline. Not counted in ClinVar's aggregate classification.
Comment: This variant is classified as likely benign based on ACMG/AMP sequence variant interpretation guidelines (Richards et al. 2015 PMID: 25741868, with internal and published modifications).

Dr. Peter K. Rogan Lab, Western University
No classification provided (evidence only). Condition: Familial cancer of breast. Review status: no classification provided. Collection method: in vitro. Allele origin: not applicable. Functional consequence: retained intron. Not counted in ClinVar's aggregate classification.

Dr. Peter K. Rogan Lab, Western University
No classification provided (evidence only). Condition: Colon adenocarcinoma. Review status: no classification provided. Collection method: in vitro. Allele origin: not applicable. Functional consequence: retained intron. Not counted in ClinVar's aggregate classification.

Dr. Peter K. Rogan Lab, Western University
No classification provided (evidence only). Condition: Colon adenocarcinoma. Review status: no classification provided. Collection method: in vitro. Allele origin: not applicable. Functional consequence: retained intron. Not counted in ClinVar's aggregate classification.

NM_002637.4(PHKA1):c.1141G>A (p.Asp381Asn)

Gene: PHKA1 (phosphorylase kinase regulatory subunit alpha 1; minus strand). Cytogenetic location: Xq13.1.
Variant type: single nucleotide variant.
Coding change: c.1141G>A on transcript NM_002637.4 (MANE Select); coding-DNA position 1141, G replaced by A.
Protein change: p.Asp381Asn; replaces aspartic acid 381 with asparagine.
Molecular consequence: missense variant.
Genome position (GRCh38, 1-based): chrX:72,652,648, C>T on the plus strand (G>A on the coding strand, the complement: PHKA1 is on the minus strand). VCF-style: chrX-72652648-C-T. GRCh37 (hg19) VCF-style: chrX-71872498-C-T.
Other names: p.Asp381Asn; c.1141G>A, p.Asp381Asn (NM_001122670.2, NM_001172436.2); short protein forms D381N.
Identifiers: ClinVar variation 368648 (VCV000368648.22), dbSNP rs141251024, ClinGen allele CA10450918.